The following is an entry in ClinVar:

ClinVar aggregate classification (germline): Pathogenic (1 of 4 stars; one submission).

Submission:

Labcorp Genetics (formerly Invitae), Labcorp
Classification: Pathogenic. Last evaluated: 2020-09-15. Review status: criteria provided, single submitter. Criteria: Invitae Variant Classification Sherloc (09022015). Collection method: clinical testing. Allele origin: germline.
Comment: For these reasons, this variant has been classified as Pathogenic. Loss-of-function variants in HPS1 are known to be pathogenic (PMID: 12442288, 16185271). This variant has not been reported in the literature in individuals with HPS1-related conditions. This variant is not present in population databases (ExAC no frequency). This sequence change creates a premature translational stop signal (p.Leu207Cysfs*124) in the HPS1 gene. It is expected to result in an absent or disrupted protein product.

Literature cited by the submitters: PubMed 12442288; PubMed 16185271.

NM_000195.5(HPS1):c.619del (p.Leu207fs)

Gene: HPS1 (HPS1 biogenesis of lysosomal organelles complex 3 subunit 1; minus strand). Cytogenetic location: 10q24.2.
Variant type: Deletion.
Coding change: c.619del on transcript NM_000195.5 (MANE Select); coding-DNA position 619, one base deleted (C; older notation c.619delC).
Protein change: p.Leu207fs; shifts the reading frame from leucine 207.
Molecular consequence: frameshift variant. On other transcripts: 5 prime UTR variant (3), intron variant (5).
Genome position (GRCh38, 1-based): chr10:98,431,180, G deleted on the plus strand (C on the coding strand, the reverse complement: HPS1 is on the minus strand); the first of 3 consecutive G bases (chr10:98,431,180-98,431,182); deleting any one gives the same sequence. VCF-style (leftmost placement, unchanged base first): chr10-98431179-AG-A. GRCh37 (hg19) VCF-style: chr10-100190936-AG-A.
Other names: c.-255del (NM_001311345.2, NM_001322489.2); c.619del, p.Leu207fs (NM_001322476.2, NM_001322477.2, NM_001322478.2 and 3 more transcripts); c.250del, p.Leu84fs (NM_001322483.2, NM_001322484.2, NM_001322485.2); c.-354del (NM_001322487.2); c.408-510del (NM_001322480.2, NM_001322482.2, NM_001322481.2); c.551-510del (NM_001322492.2, NM_001322490.2); short protein forms L207fs, L84fs.
Identifiers: ClinVar variation 1075194 (VCV001075194.7), dbSNP rs2136212739, ClinGen allele CA2499220523.
Genomic context (GRCh38, chr10:98,431,179, plus strand): 5'-CCTTGAGCTCACCTAGAGTAGAATGCCAGCAGCTTGGAGTGCACGAGCAGGAAGGCATGC[AG>A]GGCCTCCTCGCCTCCCCGCTCGGGGCTGGTGTTGACAGCCTGGATGACGTGCCGCTCCAG-3'